The following is an entry in ClinVar:

ClinVar aggregate classification (germline): Uncertain significance (1 of 4 stars; one submission).

Conditions:
Inborn genetic diseases. Identifiers: MedGen C0950123, MeSH D030342.

Submission:

Ambry Genetics
Classification: Uncertain significance for Inborn genetic diseases. Last evaluated: 2025-04-24. Review status: criteria provided, single submitter. Criteria: Ambry Variant Classification Scheme 2023. Collection method: clinical testing. Allele origin: germline.
Comment: The p.D58Y variant (also known as c.172G>T), located in coding exon 2 of the ERCC6L2 gene, results from a G to T substitution at nucleotide position 172. The aspartic acid at codon 58 is replaced by tyrosine, an amino acid with highly dissimilar properties. This amino acid position is conserved. In addition, the in silico prediction for this alteration is inconclusive. Based on the available evidence, the clinical significance of this variant remains unclear.

NM_020207.7(ERCC6L2):c.172G>T (p.Asp58Tyr)

Gene: ERCC6L2 (ERCC excision repair 6 like 2; plus strand). Cytogenetic location: 9q22.32.
Variant type: single nucleotide variant.
Coding change: c.172G>T on transcript NM_020207.7 (MANE Select); coding-DNA position 172, G replaced by T.
Protein change: p.Asp58Tyr; replaces aspartic acid 58 with tyrosine.
Molecular consequence: missense variant. On other transcripts: non-coding transcript variant (1).
Genome position (GRCh38, 1-based): chr9:95,880,994, G>T. VCF-style: chr9-95880994-G-T. GRCh37 (hg19) VCF-style: chr9-98643276-G-T.
Other names: c.172G>T, p.Asp58Tyr (NM_001010895.4, NM_001375291.1, NM_001375292.1 and 2 more transcripts); short protein forms D58Y.
Identifiers: ClinVar variation 4019325 (VCV004019325.1).